The following is an entry in ClinVar:

NM_017654.4(SAMD9):c.3923G>A (p.Cys1308Tyr)

Gene: SAMD9 (sterile alpha motif domain containing 9; minus strand). Cytogenetic location: 7q21.2.
Variant type: single nucleotide variant.
Coding change: c.3923G>A on transcript NM_017654.4 (MANE Select); coding-DNA position 3923, G replaced by A.
Protein change: p.Cys1308Tyr; replaces cysteine 1308 with tyrosine.
Molecular consequence: missense variant.
Genome position (GRCh38, 1-based): chr7:93,102,175, C>T on the plus strand (G>A on the coding strand, the complement: SAMD9 is on the minus strand). VCF-style: chr7-93102175-C-T. GRCh37 (hg19) VCF-style: chr7-92731488-C-T.
Other names: c.3923G>A, p.Cys1308Tyr (NM_001193307.2); short protein forms C1308Y.
Identifiers: ClinVar variation 1483254 (VCV001483254.6), dbSNP rs1343979935, ClinGen allele CA368181764.

ClinVar aggregate classification (germline): Uncertain significance (1 of 4 stars; one submission).

Submission:

Labcorp Genetics (formerly Invitae), Labcorp
Classification: Uncertain significance. Last evaluated: 2025-11-28. Review status: criteria provided, single submitter. Criteria: Invitae Variant Classification Sherloc (09022015). Collection method: clinical testing. Allele origin: germline.
Comment: This sequence change replaces cysteine, which is neutral and slightly polar, with tyrosine, which is neutral and polar, at codon 1308 of the SAMD9 protein (p.Cys1308Tyr). This variant is not present in population databases (gnomAD no frequency). This variant has not been reported in the literature in individuals affected with SAMD9-related conditions. ClinVar contains an entry for this variant (Variation ID: 1483254). Invitae Evidence Modeling of protein sequence and biophysical properties (such as structural, functional, and spatial information, amino acid conservation, physicochemical variation, residue mobility, and thermodynamic stability) indicates that this missense variant is not expected to disrupt SAMD9 protein function with a negative predictive value of 95%. In summary, the available evidence is currently insufficient to determine the role of this variant in disease. Therefore, it has been classified as a Variant of Uncertain Significance.